The following is an entry in ClinVar:

ClinVar aggregate classification (germline): Conflicting classifications of pathogenicity. Review status: criteria provided, conflicting classifications (1 of 4 stars). 5 submissions from 5 submitters: Pathogenic (3); Likely pathogenic (1); Uncertain significance (1). Last evaluated 2026-03-19.

Conditions:
GM3 synthase deficiency (SPDRS). Also called: SALT AND PEPPER MENTAL RETARDATION SYNDROME; SALT AND PEPPER DEVELOPMENTAL REGRESSION SYNDROME; AMISH INFANTILE EPILEPSY SYNDROME. Identifiers: Orphanet 171714, Orphanet 370933, MedGen C1836824, MONDO:0018274, OMIM 609056.

Submissions (5):

Women's Health and Genetics/Laboratory Corporation of America, LabCorp
Classification: Pathogenic for GM3 synthase deficiency. Last evaluated: 2026-03-19. Review status: criteria provided, single submitter. Criteria: LabCorp Variant Classification Summary - May 2015. Collection method: clinical testing. Allele origin: germline.
Comment: Variant summary: ST3GAL5 c.353delA (p.Lys118ArgfsX70) results in a premature termination codon, predicted to cause a truncation of the encoded protein or absence of the protein due to nonsense mediated decay, which are commonly known mechanisms for disease. Loss of function variants in this gene are known to be pathogenic. The variant allele was found at a frequency of 7.2e-05 in 251058 control chromosomes. This frequency is not significantly higher than estimated for disease-causing variants in ST3GAL5, allowing no conclusion about variant significance. c.353delA has been observed in at least one individual affected with GM3 synthase deficiency (Dang_2023). To our knowledge, no experimental evidence demonstrating an impact on protein function has been reported. The following publication have been ascertained in the context of this evaluation (PMID: 36719165). ClinVar contains an entry for this variant (Variation ID: 577410). Based on the evidence outlined above, the variant was classified as pathogenic.

Labcorp Genetics (formerly Invitae), Labcorp
Classification: Pathogenic for GM3 synthase deficiency. Last evaluated: 2025-12-13. Review status: criteria provided, single submitter. Criteria: Invitae Variant Classification Sherloc (09022015). Collection method: clinical testing. Allele origin: germline.
Comment: This sequence change creates a premature translational stop signal (p.Lys118Argfs*70) in the ST3GAL5 gene. It is expected to result in an absent or disrupted protein product. Loss-of-function variants in ST3GAL5 are known to be pathogenic (PMID: 15502825, 22990144, 27232954). This variant is present in population databases (rs754643632, gnomAD 0.02%). This variant has not been reported in the literature in individuals affected with ST3GAL5-related conditions. ClinVar contains an entry for this variant (Variation ID: 577410). Algorithms developed to predict the effect of sequence changes on RNA splicing suggest that this variant may disrupt the consensus splice site. For these reasons, this variant has been classified as Pathogenic.

CeGaT Center for Human Genetics Tuebingen
Classification: Pathogenic. Last evaluated: 2024-11-01. Review status: criteria provided, single submitter. Criteria: CeGaT Center For Human Genetics Tuebingen Variant Classification Criteria Version 2. Collection method: clinical testing. Allele origin: germline. Affected: yes. Observed: 2 variant alleles.
Comment: ST3GAL5: PVS1, PM2

Revvity Omics, Revvity
Classification: Likely pathogenic for GM3 synthase deficiency. Last evaluated: 2019-12-05. Review status: criteria provided, single submitter. Criteria: ACMG Guidelines, 2015. Collection method: clinical testing. Allele origin: germline.

Blueprint Genetics
Classification: Uncertain significance. Last evaluated: 2018-06-30. Review status: criteria provided, single submitter. Criteria: ACMG Guidelines, 2015. Collection method: clinical testing. Allele origin: germline.

Literature cited by the submitters: PubMed 36719165 (cited by Women's Health and Genetics/Laboratory Corporation of America, LabCorp); PubMed 15502825 (cited by Labcorp Genetics (formerly Invitae), Labcorp); PubMed 22990144 (cited by Labcorp Genetics (formerly Invitae), Labcorp); PubMed 27232954 (cited by Labcorp Genetics (formerly Invitae), Labcorp).

NM_003896.4(ST3GAL5):c.353del (p.Lys118fs)

Gene: ST3GAL5 (ST3 beta-galactoside alpha-2,3-sialyltransferase 5; minus strand). Cytogenetic location: 2p11.2.
Variant type: Deletion.
Coding change: c.353del on transcript NM_003896.4 (MANE Select); coding-DNA position 353, one base deleted (A; older notation c.353delA).
Protein change: p.Lys118fs; shifts the reading frame from lysine 118.
Molecular consequence: frameshift variant. On other transcripts: 5 prime UTR variant (7).
Genome position (GRCh38, 1-based): chr2:85,848,170, T deleted on the plus strand (A on the coding strand, the reverse complement: ST3GAL5 is on the minus strand); the first of 2 consecutive T bases (chr2:85,848,170-85,848,171); deleting either gives the same sequence. VCF-style (leftmost placement, unchanged base first): chr2-85848169-CT-C. GRCh37 (hg19) VCF-style: chr2-86075292-CT-C.
Other names: c.284del, p.Lys95fs (NM_001042437.2); c.-32del (NM_001354223.2, NM_001354224.2, NM_001354226.2 and 3 more transcripts); c.269del, p.Lys90fs (NM_001354227.2, NM_001354229.2, NM_001354238.1); c.-552del (NM_001354247.1); c.353del, p.Lys118fs (NM_001363847.1); c.353delA (NM_003896.4); short protein forms K118fs, K90fs, K95fs.
Identifiers: ClinVar variation 577410 (VCV000577410.37), dbSNP rs754643632, ClinGen allele CA1745058.